The following is an entry in ClinVar:

NM_032228.6(FAR1):c.768+4A>G

Gene: FAR1 (fatty acyl-CoA reductase 1; plus strand). Cytogenetic location: 11p15.3.
Variant type: single nucleotide variant.
Coding change: c.768+4A>G on transcript NM_032228.6 (MANE Select); 4 bases into the intron after coding-DNA position 768, A replaced by G.
Molecular consequence: intron variant.
Genome position (GRCh38, 1-based): chr11:13,711,812, A>G. VCF-style: chr11-13711812-A-G. GRCh37 (hg19) VCF-style: chr11-13733359-A-G.
Identifiers: ClinVar variation 1401231 (VCV001401231.6), dbSNP rs777665419, ClinGen allele CA5893379.

ClinVar aggregate classification (germline): Uncertain significance (1 of 4 stars; one submission).

Allele frequency attached by ClinVar (database versions not stated): gnomAD exomes below 0.00001; ExAC 0.00001; gnomAD 0.00001.
gnomAD v4.1: 5 of 1,598,740 alleles (0.00031%); highest among the groups gnomAD compares: African/African-American, 0.0068%; no homozygotes.

Submission:

Labcorp Genetics (formerly Invitae), Labcorp
Classification: Uncertain significance. Last evaluated: 2024-02-02. Review status: criteria provided, single submitter. Criteria: Invitae Variant Classification Sherloc (09022015). Collection method: clinical testing. Allele origin: germline.
Comment: This sequence change falls in intron 6 of the FAR1 gene. It does not directly change the encoded amino acid sequence of the FAR1 protein. It affects a nucleotide within the consensus splice site. This variant is present in population databases (rs777665419, gnomAD 0.008%). This variant has not been reported in the literature in individuals affected with FAR1-related conditions. ClinVar contains an entry for this variant (Variation ID: 1401231). Variants that disrupt the consensus splice site are a relatively common cause of aberrant splicing (PMID: 17576681, 9536098). Algorithms developed to predict the effect of sequence changes on RNA splicing suggest that this variant is not likely to affect RNA splicing. In summary, the available evidence is currently insufficient to determine the role of this variant in disease. Therefore, it has been classified as a Variant of Uncertain Significance.

Literature cited by the submitters: PubMed 17576681; PubMed 9536098.